The following is an entry in ClinVar:

ClinVar aggregate classification (germline): Pathogenic/Likely pathogenic. Review status: criteria provided, multiple submitters, no conflicts (2 of 4 stars). 3 submissions from 3 submitters: Pathogenic (2); Likely pathogenic (1). Last evaluated 2025-12-23.

Conditions:
Brachyolmia-amelogenesis imperfecta syndrome. Also called: PLATYSPONDYLY WITH AMELOGENESIS IMPERFECTA; Tooth agenesis, selective, 6; Dental anomalies and short stature. Identifiers: Orphanet 2899, MedGen C1832594, MONDO:0011018, OMIM 601216. Disease mechanism: loss of function.

Allele frequency attached by ClinVar (database versions not stated): gnomAD 0.00001; gnomAD exomes 0.00007; TOPMed 0.00002.
gnomAD v4.1: 91 of 1,514,164 alleles (0.006%); highest among the groups gnomAD compares: Non-Finnish European, 0.0078%; no homozygotes.

Submissions (3):

Labcorp Genetics (formerly Invitae), Labcorp
Classification: Pathogenic for Brachyolmia-amelogenesis imperfecta syndrome. Last evaluated: 2025-12-23. Review status: criteria provided, single submitter. Criteria: Invitae Variant Classification Sherloc (09022015). Collection method: clinical testing. Allele origin: germline.
Comment: This sequence change creates a premature translational stop signal (p.Gln1122*) in the LTBP3 gene. It is expected to result in an absent or disrupted protein product. Loss-of-function variants in LTBP3 are known to be pathogenic (PMID: 11790802, 19344874, 25669657). The frequency data for this variant in the population databases is considered unreliable, as metrics indicate poor data quality at this position in the gnomAD database. This variant has not been reported in the literature in individuals affected with LTBP3-related conditions. ClinVar contains an entry for this variant (Variation ID: 235446). For these reasons, this variant has been classified as Pathogenic.

Revvity Omics, Revvity
Classification: Likely pathogenic. Last evaluated: 2021-12-29. Review status: criteria provided, single submitter. Criteria: ACMG Guidelines, 2015. Collection method: clinical testing. Allele origin: germline.

Center for Pediatric Genomic Medicine, Children's Mercy Hospital and Clinics
Classification: Pathogenic. Last evaluated: 2016-05-11. Review status: criteria provided, single submitter. Criteria: ACMG Guidelines, 2015. Collection method: clinical testing. Allele origin: germline.

Literature cited by the submitters: PubMed 11790802 (cited by Labcorp Genetics (formerly Invitae), Labcorp); PubMed 19344874 (cited by Labcorp Genetics (formerly Invitae), Labcorp); PubMed 25669657 (cited by Labcorp Genetics (formerly Invitae), Labcorp).

NM_001130144.3(LTBP3):c.3364C>T (p.Gln1122Ter)

Genes: LTBP3 (latent transforming growth factor beta binding protein 3; minus strand), LOC130006027 (ATAC-STARR-seq lymphoblastoid silent region 3530; plus strand). Cytogenetic location: 11q13.1.
Variant type: single nucleotide variant.
Coding change: c.3364C>T on transcript NM_001130144.3 (MANE Select); coding-DNA position 3364, C replaced by T.
Protein change: p.Gln1122Ter; replaces glutamine 1122 with a stop codon.
Molecular consequence: nonsense. On other transcripts: intron variant (2).
Genome position (GRCh38, 1-based): chr11:65,540,034, G>A on the plus strand (C>T on the coding strand, the complement: LTBP3 is on the minus strand). VCF-style: chr11-65540034-G-A. GRCh37 (hg19) VCF-style: chr11-65307505-G-A.
Other names: c.3364C>T (NM_001130144.2); c.2894-153C>T (NM_001164266.1); c.3245-153C>T (NM_021070.4); short protein forms Q1122*.
Identifiers: ClinVar variation 235446 (VCV000235446.7), dbSNP rs878853036, ClinGen allele CA10581312.